The following is an entry in ClinVar:

NM_152564.5(VPS13B):c.7647C>T (p.Phe2549=)

Gene: VPS13B (vacuolar protein sorting 13 homolog B; plus strand). Cytogenetic location: 8q22.2.
Variant type: single nucleotide variant.
Coding change: c.7647C>T on transcript NM_152564.5 (MANE Select); coding-DNA position 7647, C replaced by T.
Protein change: p.Phe2549=; no amino-acid change (phenylalanine 2549 retained).
Molecular consequence: synonymous variant.
Genome position (GRCh38, 1-based): chr8:99,778,899, C>T. VCF-style: chr8-99778899-C-T. GRCh37 (hg19) VCF-style: chr8-100791127-C-T.
Other names: p.Phe2574=; c.7722C>T, p.Phe2574= (NM_017890.5); c.7647C>T (NM_152564.4).
Identifiers: ClinVar variation 281753 (VCV000281753.26), dbSNP rs112634620, ClinGen allele CA4824258.

ClinVar aggregate classification (germline): Conflicting classifications of pathogenicity. Review status: criteria provided, conflicting classifications (1 of 4 stars). 9 submissions from 9 submitters: Uncertain significance (1); Likely benign (4). 4 of the submissions do not count toward it. Last evaluated 2026-02-03.

Conditions:
VPS13B-related disorder. Also called: VPS13B-related condition.
Inborn genetic diseases. Identifiers: MedGen C0950123, MeSH D030342.
Cohen syndrome (COH1). Also called: Cutis verticis gyrata, retinitis pigmentosa, and sensorineural deafness; PEPPER SYNDROME. Identifiers: Orphanet 193, MedGen C0265223, MONDO:0008999, OMIM 216550.

Allele frequency attached by ClinVar (database versions not stated): gnomAD exomes 0.00005 and 0.00015; 1000 Genomes Project 30x 0.00016; ExAC 0.00019; 1000 Genomes Project 0.00020; TOPMed 0.00055; gnomAD 0.00058 and 0.00066; ESP Exome Variant Server 0.00077.
gnomAD v4.1: 172 of 1,613,976 alleles (0.011%); highest among the groups gnomAD compares: African/African-American, 0.18%; no homozygotes.

Submissions (9):

Labcorp Genetics (formerly Invitae), Labcorp
Classification: Likely benign for Cohen syndrome. Last evaluated: 2026-02-03. Review status: criteria provided, single submitter. Criteria: Invitae Variant Classification Sherloc (09022015). Collection method: clinical testing. Allele origin: germline.

Mayo Clinic Laboratories, Mayo Clinic
Classification: Likely benign. Last evaluated: 2025-04-15. Review status: criteria provided, single submitter. Criteria: ACMG Guidelines, 2015. Collection method: clinical testing. Allele origin: germline. Observed: 1 variant allele.
Comment: BP4, BP7

Blueprint Genetics
Classification: Likely benign. Last evaluated: 2022-11-04. Review status: criteria provided, single submitter. Criteria: ACMG Guidelines, 2015. Collection method: clinical testing. Allele origin: germline.

Ambry Genetics
Classification: Likely benign for Inborn genetic diseases. Last evaluated: 2017-12-20. Review status: criteria provided, single submitter. Criteria: Ambry Variant Classification Scheme 2023. Collection method: clinical testing. Allele origin: germline.

Eurofins Ntd Llc (ga)
Classification: Uncertain significance. Last evaluated: 2015-07-16. Review status: criteria provided, single submitter. Criteria: EGL Classification Definitions 2015. Collection method: clinical testing. Allele origin: germline. Observed: 1 variant allele, 1 heterozygote.

PreventionGenetics, part of Exact Sciences
Classification: Likely benign for VPS13B-related condition. Last evaluated: 2020-10-12. Review status: no assertion criteria provided. Collection method: clinical testing. Allele origin: germline. Not counted in ClinVar's aggregate classification.
Comment: This variant is classified as likely benign based on ACMG/AMP sequence variant interpretation guidelines (Richards et al. 2015 PMID: 25741868, with internal and published modifications).

Natera, Inc.
Classification: Likely benign for Cohen syndrome. Last evaluated: 2020-09-16. Review status: no assertion criteria provided. Collection method: clinical testing. Allele origin: germline. Not counted in ClinVar's aggregate classification.

Clinical Genetics DNA and cytogenetics Diagnostics Lab, Erasmus MC, Erasmus Medical Center
Classification: Likely benign. Review status: no assertion criteria provided. Collection method: clinical testing. Allele origin: germline. Affected: yes. Study: VKGL Data-share Consensus. Not counted in ClinVar's aggregate classification.

Clinical Genetics, Academic Medical Center
Classification: Likely benign. Review status: no assertion criteria provided. Collection method: clinical testing. Allele origin: germline. Affected: yes. Study: VKGL Data-share Consensus. Not counted in ClinVar's aggregate classification.